The following is an entry in ClinVar:

NM_006734.4(HIVEP2):c.365C>T (p.Pro122Leu)

Gene: HIVEP2 (HIVEP zinc finger 2; minus strand). Cytogenetic location: 6q24.2.
Variant type: single nucleotide variant.
Coding change: c.365C>T on transcript NM_006734.4 (MANE Select); coding-DNA position 365, C replaced by T.
Protein change: p.Pro122Leu; replaces proline 122 with leucine.
Molecular consequence: missense variant.
Genome position (GRCh38, 1-based): chr6:142,774,374, G>A on the plus strand (C>T on the coding strand, the complement: HIVEP2 is on the minus strand). VCF-style: chr6-142774374-G-A. GRCh37 (hg19) VCF-style: chr6-143095511-G-A.
Other names: short protein forms P122L.
Identifiers: ClinVar variation 2712633 (VCV002712633.3), dbSNP rs2482857048, ClinGen allele CA365916217.

ClinVar aggregate classification (germline): Uncertain significance (1 of 4 stars; one submission).

Allele frequency attached by ClinVar (database versions not stated): gnomAD exomes below 0.00001.
gnomAD v4.1: 2 of 1,614,198 alleles (0.00012%); highest among the groups gnomAD compares: Non-Finnish European, 0.000085%; no homozygotes.

Submission:

Labcorp Genetics (formerly Invitae), Labcorp
Classification: Uncertain significance. Last evaluated: 2023-06-12. Review status: criteria provided, single submitter. Criteria: Invitae Variant Classification Sherloc (09022015). Collection method: clinical testing. Allele origin: germline.
Comment: In summary, the available evidence is currently insufficient to determine the role of this variant in disease. Therefore, it has been classified as a Variant of Uncertain Significance. Advanced modeling of protein sequence and biophysical properties (such as structural, functional, and spatial information, amino acid conservation, physicochemical variation, residue mobility, and thermodynamic stability) performed at Invitae indicates that this missense variant is not expected to disrupt HIVEP2 protein function. This sequence change replaces proline, which is neutral and non-polar, with leucine, which is neutral and non-polar, at codon 122 of the HIVEP2 protein (p.Pro122Leu). This variant has not been reported in the literature in individuals affected with HIVEP2-related conditions. This variant is not present in population databases (gnomAD no frequency).